The following is an entry in ClinVar:

NM_014391.3(ANKRD1):c.314C>T (p.Pro105Leu)

Gene: ANKRD1 (ankyrin repeat domain 1; minus strand). Cytogenetic location: 10q23.31.
Variant type: single nucleotide variant.
Coding change: c.314C>T on transcript NM_014391.3 (MANE Select); coding-DNA position 314, C replaced by T.
Protein change: p.Pro105Leu; replaces proline 105 with leucine.
Molecular consequence: missense variant.
Genome position (GRCh38, 1-based): chr10:90,919,162, G>A on the plus strand (C>T on the coding strand, the complement: ANKRD1 is on the minus strand). VCF-style: chr10-90919162-G-A. GRCh37 (hg19) VCF-style: chr10-92678919-G-A.
Other names: short protein forms P105L.
Identifiers: ClinVar variation 1434075 (VCV001434075.6), dbSNP rs1847405739, ClinGen allele CA377552460.

ClinVar aggregate classification (germline): Uncertain significance (1 of 4 stars; one submission).

Conditions:
ANKRD1-related dilated cardiomyopathy. Identifiers: MedGen CN119551.

Allele frequency attached by ClinVar (database versions not stated): gnomAD exomes below 0.00001; TOPMed below 0.00001.
gnomAD v4.1: 2 of 1,612,218 alleles (0.00012%); highest among the groups gnomAD compares: Admixed American, 0.0033%; no homozygotes.

Submission:

Labcorp Genetics (formerly Invitae), Labcorp
Classification: Uncertain significance for ANKRD1-related dilated cardiomyopathy. Last evaluated: 2025-05-23. Review status: criteria provided, single submitter. Criteria: Invitae Variant Classification Sherloc (09022015). Collection method: clinical testing. Allele origin: germline.
Comment: This sequence change replaces proline, which is neutral and non-polar, with leucine, which is neutral and non-polar, at codon 105 of the ANKRD1 protein (p.Pro105Leu). This variant is not present in population databases (gnomAD no frequency). This variant has not been reported in the literature in individuals affected with ANKRD1-related conditions. ClinVar contains an entry for this variant (Variation ID: 1434075). Invitae Evidence Modeling of protein sequence and biophysical properties (such as structural, functional, and spatial information, amino acid conservation, physicochemical variation, residue mobility, and thermodynamic stability) indicates that this missense variant is not expected to disrupt ANKRD1 protein function with a negative predictive value of 80%. Algorithms developed to predict the effect of sequence changes on RNA splicing suggest that this variant may disrupt the consensus splice site. In summary, the available evidence is currently insufficient to determine the role of this variant in disease. Therefore, it has been classified as a Variant of Uncertain Significance.